The following continues an entry in ClinVar:

NM_019109.5(ALG1):c.1187+3A>G

Gene: ALG1. ClinVar aggregate classification (germline): Pathogenic/Likely pathogenic. Pathogenic (8); Likely pathogenic (6).

Submissions 9 to 16 of 16:

Laboratory for Molecular Medicine, Mass General Brigham Personalized Medicine
Classification: Pathogenic for Congenital disorder of glycosylation. Last evaluated: 2020-05-27. Review status: criteria provided, single submitter. Criteria: LMM Criteria. Collection method: clinical testing. Allele origin: germline. Inheritance: Autosomal recessive inheritance. Observed: 1 variant allele.
Comment: VARIANT INTERPRETATION: The c.1187+3A>G variant in ALG1 has been reported in three individuals with congenital disorders of glycosylation. One is homozygous and two are compound heterozygous with the p.Ser258Leu variant in ALG1 (Ng 2016 26931382, Bowling 2017 28554332, SCV001164452.1). It has also been identified in 0.02% (23/112692) of European chromosomes by gnomAD and is reported in ClinVar (Variation ID: 224118). This variant is located in the 5' splice region. In vitro qPCR analysis demonstrates a retention of exon 11 and a stop gain after the addition of 84 nucleotides, consistent with pathogenicity (Bowling 2017 28554332). In summary, this variant meets criteria to be classified as pathogenic for autosomal recessive Congenital disorders of glycosylation. ACMG/AMP Criteria applied: PS3, PM3_Strong.

Knight Diagnostic Laboratories, Oregon Health and Sciences University
Classification: Pathogenic for Congenital disorder of glycosylation, type Ik. Last evaluated: 2019-02-22. Review status: criteria provided, single submitter. Criteria: ACMG Guidelines, 2015. Collection method: clinical testing. Allele origin: germline. Affected: yes. Observed: 1 variant allele.

Broad Center for Mendelian Genomics, Broad Institute of MIT and Harvard
Classification: Pathogenic for ALG1-congenital disorder of glycosylation. Last evaluated: 2018-12-03. Review status: criteria provided, single submitter. Criteria: ACMG Guidelines, 2015. Collection method: research. Allele origin: germline. Inheritance: Autosomal recessive inheritance. Affected: yes.
Comment: The c.1187+3A>G variant in ALG1 has been reported in 1 individual with congenital disorder of glycosylation (PMID: 26931382), and has been identified in 0.01906% (24/125942) of European (non-Finnish) chromosomes by the Genome Aggregation Database (gnomAD; dbSNP rs369160589). Although this variant has been seen in the general population, its frequency is low enough to be consistent with a recessive carrier frequency and the presence of this variant in combination with a reported pathogenic variant and in an individual with congenital disorder of glycosylation increases the likelihood that the c.1187+3A>G variant is pathogenic (PMID: 26931382; Variation ID: 4724). This variant is located in the 5' splice region. Computational tools do suggest an impact to splicing and cDNA analysis by the NIH Undiagnosed Diseases Network demonstrated this variant has a damaging effect (Variation ID: 224118). A biomarker for loss of function in ALG1, xeno-tetrasaccharide, was detected in the serum of an individual with this variant in the compound heterozygous state (PMID: 26931382). Loss of function of the ALG1 gene is an established disease mechanism in autosomal recessive congenital disorder of glycosylation and there is evidence that this gene is necessary for survival (PMID: 26931382). However, these types of assays may not accurately represent biological function and this information is not predictive enough to determine pathogenicity. This variant has also been reported as likely pathogenic in ClinVar by multiple submitters (Variation ID: 224118). Two additional variants in this splice region have been reported pathogenic in ClinVar, raising the possibility that this splice region is a mutational hot spot (Variation ID: 95934, 194107). In summary, this variant meets criteria to be classified as pathogenic for congenital disorder of glycosylation in an autosomal recessive manner based on the predicted impact of the variant and our findings in the literature and ClinVar. ACMG/AMP Criteria applied: PM2, PM3, PS3, PVS1, PM1_Supporting (Richards 2015).

Undiagnosed Diseases Network, NIH
Classification: Likely pathogenic for ALG1-congenital disorder of glycosylation. Last evaluated: 2017-06-23. Review status: criteria provided, single submitter. Criteria: ACMG Guidelines, 2015. Collection method: clinical testing. Allele origin: paternal. Inheritance: Autosomal recessive inheritance. Affected: yes. Observed: 1 variant allele, 1 compound heterozygote.
Comment: Clinical genome sequencing revealed 3 variants of uncertain significance in the ALG1 gene. Multiple lines of computational evidence support a deleterious effect of these variants on the gene or gene product. cDNA experiments performed on a research basis demonstrated that the paternally inherited variant (c.1187+3A>G) is damaging. The maternally inherited variants are rare and are not present in the 1000 Genomes Project nor the Exome Aggregate Consortium (ExAC) databases. Based on these findings, the clinical team elevated these variants to likely pathogenic.

HudsonAlpha Institute for Biotechnology
Classification: Likely pathogenic for ALG1-congenital disorder of glycosylation. Last evaluated: 2017-02-09. Review status: criteria provided, single submitter. Criteria: HA_assertions_20161101. Collection method: research. Allele origin: maternal. Affected: yes. Observed: 1 variant allele. Study: CSER-HudsonAlpha.

Equipe Genetique des Anomalies du Developpement, Université de Bourgogne
Classification: Pathogenic for Encephalopathy. Review status: criteria provided, single submitter. Criteria: ACMG Guidelines, 2015. Collection method: research. Allele origin: paternal. Affected: yes.

University of Washington Center for Mendelian Genomics, University of Washington
Classification: Likely pathogenic for Congenital disorder of glycosylation. Last evaluated: 2017-05-25. Review status: no assertion criteria provided. Collection method: research. Allele origin: unknown. Affected: yes. Not counted in ClinVar's aggregate classification.

Genetics Laboratory, Great Ormond Street Hospital NHS Foundation Trust, North Thames Genomic Laboratory Hub
Classification: Uncertain significance for Fetal anomalies with a likely genetic cause. Last evaluated: 2026-03-16. Review status: flagged submission. Criteria: ACGS Best Practice Guidelines for Variant Classification in Rare Disease 2024 v1.2. Collection method: clinical testing. Allele origin: germline. Affected: yes. Not counted in ClinVar's aggregate classification.
Comment: PS4_moderate, PP3_supporting, PS3_moderate
ClinVar note: Reason: Outlier claim with insufficient supporting evidence

Literature cited by the submitters: PubMed 26931382 (cited by 6 submitters); PubMed 32190976 (cited by Labcorp Genetics (formerly Invitae), Labcorp and Women's Health and Genetics/Laboratory Corporation of America, LabCorp); PubMed 17576681 (cited by Labcorp Genetics (formerly Invitae), Labcorp); PubMed 9536098 (cited by Labcorp Genetics (formerly Invitae), Labcorp); PubMed 28554332 (cited by 4 submitters); PubMed 34567092 (cited by Women's Health and Genetics/Laboratory Corporation of America, LabCorp); PubMed 38736633 (cited by Women's Health and Genetics/Laboratory Corporation of America, LabCorp).